The following is an entry in ClinVar:

ClinVar aggregate classification (germline): Conflicting classifications of pathogenicity. Review status: criteria provided, conflicting classifications (1 of 4 stars). 2 submissions from 2 submitters: Uncertain significance (1); Likely benign (1). Last evaluated 2025-02-13.

Allele frequency attached by ClinVar (database versions not stated): gnomAD 0.00001; ExAC 0.00002.
gnomAD v4.1: 1 of 1,611,338 alleles (0.000062%); highest among the groups gnomAD compares: East Asian, 0.0022%; no homozygotes.

Submissions (2):

Ambry Genetics
Classification: Likely benign. Last evaluated: 2025-02-13. Review status: criteria provided, single submitter. Criteria: Ambry Variant Classification Scheme 2023. Collection method: clinical testing. Allele origin: germline.

Labcorp Genetics (formerly Invitae), Labcorp
Classification: Uncertain significance. Last evaluated: 2024-02-05. Review status: criteria provided, single submitter. Criteria: Invitae Variant Classification Sherloc (09022015). Collection method: clinical testing. Allele origin: germline.
Comment: This sequence change replaces valine, which is neutral and non-polar, with alanine, which is neutral and non-polar, at codon 30 of the TNFRSF6B protein (p.Val30Ala). This variant is present in population databases (rs766532363, gnomAD 0.02%). This variant has not been reported in the literature in individuals affected with TNFRSF6B-related conditions. ClinVar contains an entry for this variant (Variation ID: 1995903). Algorithms developed to predict the effect of missense changes on protein structure and function output the following: SIFT: "Not Available"; PolyPhen-2: "Not Available"; Align-GVGD: "Not Available". The alanine amino acid residue is found in multiple mammalian species, which suggests that this missense change does not adversely affect protein function. In summary, the available evidence is currently insufficient to determine the role of this variant in disease. Therefore, it has been classified as a Variant of Uncertain Significance.

NM_003823.4(TNFRSF6B):c.89T>C (p.Val30Ala)

Genes: RTEL1-TNFRSF6B (RTEL1-TNFRSF6B readthrough (NMD candidate); plus strand), TNFRSF6B (TNF receptor superfamily member 6b; plus strand). Cytogenetic location: 20q13.33.
Variant type: single nucleotide variant.
Coding change: c.89T>C on transcript NM_003823.4 (MANE Select); coding-DNA position 89, T replaced by C.
Protein change: p.Val30Ala; replaces valine 30 with alanine.
Molecular consequence: missense variant. On other transcripts: non-coding transcript variant (1).
Genome position (GRCh38, 1-based): chr20:63,696,856, T>C. VCF-style: chr20-63696856-T-C. GRCh37 (hg19) VCF-style: chr20-62328209-T-C.
Other names: c.89T>C (NM_003823.3); short protein forms V30A.
Identifiers: ClinVar variation 1995903 (VCV001995903.5), dbSNP rs766532363, ClinGen allele CA9966313.